The following is an entry in ClinVar:

ClinVar aggregate classification (germline): Likely pathogenic (1 of 4 stars; one submission).

Submission:

GeneDx
Classification: Likely pathogenic. Last evaluated: 2013-01-09. Review status: criteria provided, single submitter. Criteria: GeneDx Variant Classification (06012015). Collection method: clinical testing. Allele origin: germline. Affected: yes.
Comment: p.Trp269Leu (TGG>TTG): c.806 G>T in exon 5 of the KCNQ2 gene (NM_172107.2)The Trp269Leu missense change has not been published as a mutation, nor has it been reported as a benign polymorphism to our knowledge. The NHLBI ESP Exome Variant Project has not identified Trp269Leu in approximately 6,500 individuals of European or African American ethnicity, indicating that it is not a common benign variant in these populations. The amino acid substitution is conservative, as Tryptophan and Leucine are both uncharged, non-polar amino acids. However, it alters a highly conserved position in the pore loop between the S5 and S6 transmembrane segments, and other missense mutations in this region have been reported in association with benign familial neonatal seizures and neonatal epileptic encephalopathy. Multiple in silico algorithms predict Trp269Leu may be damaging to protein structure/function. Therefore, based on the currently available information, it is unclear whether Trp269Leu is a disease-causing mutation or a rare benign variant. The variant is found in INFANT-EPI panel(s).

NM_172107.4(KCNQ2):c.806G>T (p.Trp269Leu)

Gene: KCNQ2 (potassium voltage-gated channel subfamily Q member 2; minus strand). Cytogenetic location: 20q13.33.
Variant type: single nucleotide variant.
Coding change: c.806G>T on transcript NM_172107.4 (MANE Select); coding-DNA position 806, G replaced by T.
Protein change: p.Trp269Leu; replaces tryptophan 269 with leucine.
Molecular consequence: missense variant.
Genome position (GRCh38, 1-based): chr20:63,442,416, C>A on the plus strand (G>T on the coding strand, the complement: KCNQ2 is on the minus strand). VCF-style: chr20-63442416-C-A. GRCh37 (hg19) VCF-style: chr20-62073769-C-A.
Other names: p.W269L:TGG>TTG; c.806G>T, p.Trp269Leu (NM_004518.6, NM_172106.3, NM_172108.5 and 1 more transcripts); short protein forms W269L.
Identifiers: ClinVar variation 205881 (VCV000205881.2), dbSNP rs796052633, ClinGen allele CA315392.